The following is an entry in ClinVar:

ClinVar aggregate classification (germline): Uncertain significance (1 of 4 stars; one submission).

Submission:

Labcorp Genetics (formerly Invitae), Labcorp
Classification: Uncertain significance. Last evaluated: 2022-08-07. Review status: criteria provided, single submitter. Criteria: Invitae Variant Classification Sherloc (09022015). Collection method: clinical testing. Allele origin: germline.
Comment: In summary, the available evidence is currently insufficient to determine the role of this variant in disease. Therefore, it has been classified as a Variant of Uncertain Significance. Algorithms developed to predict the effect of missense changes on protein structure and function (SIFT, PolyPhen-2, Align-GVGD) all suggest that this variant is likely to be tolerated. This variant has not been reported in the literature in individuals affected with MYLK3-related conditions. This variant is present in population databases (rs747122939, gnomAD 0.003%). This sequence change replaces methionine, which is neutral and non-polar, with isoleucine, which is neutral and non-polar, at codon 142 of the MYLK3 protein (p.Met142Ile).

NM_182493.3(MYLK3):c.426G>A (p.Met142Ile)

Gene: MYLK3 (myosin light chain kinase 3; minus strand). Cytogenetic location: 16q11.2.
Variant type: single nucleotide variant.
Coding change: c.426G>A on transcript NM_182493.3 (MANE Select); coding-DNA position 426, G replaced by A.
Protein change: p.Met142Ile; replaces methionine 142 with isoleucine.
Molecular consequence: missense variant. On other transcripts: intron variant (1).
Genome position (GRCh38, 1-based): chr16:46,747,768, C>T on the plus strand (G>A on the coding strand, the complement: MYLK3 is on the minus strand). VCF-style: chr16-46747768-C-T. GRCh37 (hg19) VCF-style: chr16-46781680-C-T.
Other names: c.-113-7621G>A (NM_001308301.1); short protein forms M142I.
Identifiers: ClinVar variation 2022406 (VCV002022406.4), dbSNP rs747122939, ClinGen allele CA8038261.
Genomic context (GRCh38, chr16:46,747,768, plus strand): 5'-GGAACCAACCTCCTCAGGGCTGTCACCTGGGCTGCCTCTCCTCCAGGGCACACGCCCCTG[C>T]ATGAGGAAATCCGCCACCTTTGATTTCTGGAACGTGGCCCCCACCAAAGCGATGGCCCTG-3'
Protein context (NP_872299.2, residues 132-152): FQKSKVADFL[Met142Ile]QGRVPWRRGS